The following is an entry in ClinVar:

NM_001042492.3(NF1):c.1295T>C (p.Val432Ala)

Gene: NF1 (neurofibromin 1; plus strand). Cytogenetic location: 17q11.2.
Variant type: single nucleotide variant.
Coding change: c.1295T>C on transcript NM_001042492.3 (MANE Select); coding-DNA position 1295, T replaced by C.
Protein change: p.Val432Ala; replaces valine 432 with alanine.
Molecular consequence: missense variant.
Genome position (GRCh38, 1-based): chr17:31,206,274, T>C. VCF-style: chr17-31206274-T-C. GRCh37 (hg19) VCF-style: chr17-29533292-T-C.
Other names: c.1295T>C, p.Val432Ala (NM_000267.4, NM_001128147.3); short protein forms V432A.
Identifiers: ClinVar variation 1380578 (VCV001380578.6), dbSNP rs866238485, ClinGen allele CA289352252.

ClinVar aggregate classification (germline): Uncertain significance (1 of 4 stars; one submission).

Conditions:
Neurofibromatosis, type 1 (NF1). Also called: VON RECKLINGHAUSEN DISEASE; Peripheral type neurofibromatosis; Neurofibromatosis, type I; NEUROFIBROMATOSIS, TYPE I, SOMATIC. Identifiers: Orphanet 636, MedGen C0027831, MONDO:0018975, OMIM 162200. Disease mechanism: loss of function.

Submission:

Labcorp Genetics (formerly Invitae), Labcorp
Classification: Uncertain significance for Neurofibromatosis, type 1. Last evaluated: 2025-10-07. Review status: criteria provided, single submitter. Criteria: Invitae Variant Classification Sherloc (09022015). Collection method: clinical testing. Allele origin: germline.
Comment: This sequence change replaces valine, which is neutral and non-polar, with alanine, which is neutral and non-polar, at codon 432 of the NF1 protein (p.Val432Ala). This variant is not present in population databases (gnomAD no frequency). This variant has not been reported in the literature in individuals affected with NF1-related conditions. ClinVar contains an entry for this variant (Variation ID: 1380578). Invitae Evidence Modeling of protein sequence and biophysical properties (such as structural, functional, and spatial information, amino acid conservation, physicochemical variation, residue mobility, and thermodynamic stability) indicates that this missense variant is not expected to disrupt NF1 protein function with a negative predictive value of 95%. In summary, the available evidence is currently insufficient to determine the role of this variant in disease. Therefore, it has been classified as a Variant of Uncertain Significance.